The following is an entry in ClinVar:

ClinVar aggregate classification (germline): Uncertain significance (1 of 4 stars; one submission).

Submission:

GeneDx
Classification: Uncertain significance. Last evaluated: 2025-03-17. Review status: criteria provided, single submitter. Criteria: GeneDx Variant Classification Process June 2021. Collection method: clinical testing. Allele origin: germline. Affected: yes.
Comment: Not observed at significant frequency in large population cohorts (gnomAD); In silico analysis supports that this missense variant has a deleterious effect on protein structure/function; Has not been previously published as pathogenic or benign to our knowledge

NM_001378452.1(ITPR1):c.5285G>C (p.Arg1762Thr)

Gene: ITPR1 (inositol 1,4,5-trisphosphate receptor type 1; plus strand). Cytogenetic location: 3p26.1.
Variant type: single nucleotide variant.
Coding change: c.5285G>C on transcript NM_001378452.1 (MANE Select); coding-DNA position 5285, G replaced by C.
Protein change: p.Arg1762Thr; replaces arginine 1762 with threonine.
Molecular consequence: missense variant.
Genome position (GRCh38, 1-based): chr3:4,733,152, G>C. VCF-style: chr3-4733152-G-C. GRCh37 (hg19) VCF-style: chr3-4774836-G-C.
Other names: c.5141G>C, p.Arg1714Thr (NM_001099952.4); c.5240G>C, p.Arg1747Thr (NM_001168272.2); c.5096G>C, p.Arg1699Thr (NM_002222.7); short protein forms R1699T, R1714T, R1747T, R1762T.
Identifiers: ClinVar variation 4086573 (VCV004086573.1).
Genomic context (GRCh38, chr3:4,733,152, plus strand): 5'-AGGCGCTCAGGCAAGTTCTGGTCAACCGTTACTATGGAAACGTCAGACCTTCGGGACGAA[G>C]AGAGAGCCTTACCAGCTTTGGCAATGGCCCACTGTCAGCAGGAGGACCCGGCAAGCCCGG-3'
Protein context (NP_001365381.1, residues 1752-1772): YYGNVRPSGR[Arg1762Thr]ESLTSFGNGP